The following is an entry in ClinVar:

ClinVar aggregate classification (germline): Conflicting classifications of pathogenicity. Review status: criteria provided, conflicting classifications (1 of 4 stars). 8 submissions from 8 submitters: Uncertain significance (1); Benign (4); Likely benign (1). 2 of the submissions do not count toward it. Last evaluated 2025-12-01.

Conditions:
Becker muscular dystrophy (BMD). Also called: MUSCULAR DYSTROPHY, PSEUDOHYPERTROPHIC PROGRESSIVE, BECKER TYPE; Becker Muscular Dystrophy (BMD). Identifiers: Orphanet 98895, MedGen C0917713, MONDO:0010311, OMIM 300376.
Duchenne muscular dystrophy (DMD). Also called: Duchenne Muscular Dystrophy (DMD); MUSCULAR DYSTROPHY, PSEUDOHYPERTROPHIC PROGRESSIVE, DUCHENNE TYPE. Identifiers: Orphanet 98896, MedGen C0013264, MONDO:0010679, OMIM 310200.
Cardiomyopathy (CMYO). Also called: Cardiomyopathies. Identifiers: Orphanet 167848, MedGen C0878544, MONDO:0004994, HP:0001638. Inheritance: Various modes of inheritance.
Dystrophin deficiency.
DMD-related disorder. Also called: DMD-related condition.

Allele frequency attached by ClinVar (database versions not stated): 1000 Genomes Project 0.00291; 1000 Genomes Project 30x 0.00333; TOPMed 0.00901; gnomAD 0.00944 and 0.01020.
gnomAD v4.1: 1,096 of 110,915 alleles (0.99%); highest among the groups gnomAD compares: Non-Finnish European, 1.4%; 5 homozygotes.

Submissions (8):

Women's Health and Genetics/Laboratory Corporation of America, LabCorp
Classification: Benign. Last evaluated: 2025-12-01. Review status: criteria provided, single submitter. Criteria: LabCorp Variant Classification Summary - May 2015. Collection method: clinical testing. Allele origin: germline.
Comment: Variant summary: DMD c.31+36949C>T is located at a position not widely known to affect splicing. Consensus agreement among computation tools predict no significant impact on normal splicing. However, these predictions have yet to be confirmed by functional studies. The variant allele was found at a frequency of 0.0099 in 110915 control chromosomes in the gnomAD database, including 5 homozygotes and 314 hemizygotes. The observed variant frequency exceeds the estimated maximal expected allele frequency for disease-causing variants in DMD. To our knowledge, no occurrence of c.31+36949C>T in individuals affected with DMD-related conditions and no experimental evidence demonstrating its impact on protein function have been reported. ClinVar contains an entry for this variant (Variation ID: 94557). Based on the evidence outlined above, the variant was classified as benign.

Blueprint Genetics
Classification: Likely benign. Last evaluated: 2024-11-28. Review status: criteria provided, single submitter. Criteria: ACMG Guidelines, 2015. Collection method: clinical testing. Allele origin: germline.

Mayo Clinic Laboratories, Mayo Clinic
Classification: Benign. Last evaluated: 2024-04-18. Review status: criteria provided, single submitter. Criteria: ACMG Guidelines, 2015. Collection method: clinical testing. Allele origin: germline. Observed: 13 variant alleles.
Comment: BA1, BS2, BP4, BP7

ARUP Laboratories, Molecular Genetics and Genomics, ARUP Laboratories
Classification: Benign. Last evaluated: 2022-04-27. Review status: criteria provided, single submitter. Criteria: ARUP Molecular Germline Variant Investigation Process 2021. Collection method: clinical testing. Allele origin: germline.

Eurofins Ntd Llc (ga)
Classification: Uncertain significance. Last evaluated: 2014-07-01. Review status: criteria provided, single submitter. Criteria: EGL Classification Definitions 2015. Collection method: clinical testing. Allele origin: germline. Observed: 2 variant alleles, 2 hemizygotes.

GeneDx
Classification: Benign. Last evaluated: 2014-01-17. Review status: criteria provided, single submitter. Criteria: GeneDx Variant Classification (06012015). Collection method: clinical testing. Allele origin: germline. Affected: yes.
Comment: This variant is considered likely benign or benign based on one or more of the following criteria: it is a conservative change, it occurs at a poorly conserved position in the protein, it is predicted to be benign by multiple in silico algorithms, and/or has population frequency not consistent with disease.

PreventionGenetics, part of Exact Sciences
Classification: Benign for DMD-related condition. Last evaluated: 2019-05-10. Review status: no assertion criteria provided. Collection method: clinical testing. Allele origin: germline. Not counted in ClinVar's aggregate classification.
Comment: This variant is classified as benign based on ACMG/AMP sequence variant interpretation guidelines (Richards et al. 2015 PMID: 25741868, with internal and published modifications).

Natera, Inc.
Classification: Likely benign for Becker muscular dystrophy; Cardiomyopathy; Duchenne muscular dystrophy; Dystrophin deficiency. Last evaluated: 2017-03-28. Review status: no assertion criteria provided. Collection method: clinical testing. Allele origin: germline. Not counted in ClinVar's aggregate classification.

NM_004006.3(DMD):c.31+36949C>T

Gene: DMD (dystrophin; minus strand). Cytogenetic location: Xp21.1.
Variant type: single nucleotide variant.
Coding change: c.31+36949C>T on transcript NM_004006.3 (MANE Select); 36949 bases into the intron after coding-DNA position 31, C replaced by T.
Molecular consequence: intron variant.
Genome position (GRCh38, 1-based): chrX:33,174,333, G>A on the plus strand (C>T on the coding strand, the complement: DMD is on the minus strand). VCF-style: chrX-33174333-G-A. GRCh37 (hg19) VCF-style: chrX-33192450-G-A.
Other names: p.?; c.8-154133C>T (NM_000109.4).
Identifiers: ClinVar variation 94557 (VCV000094557.20), dbSNP rs182597890, ClinGen allele CA222358.